The following is an entry in ClinVar:

NM_005219.5(DIAPH1):c.2893_2894inv (p.Glu965Ser)

Gene: DIAPH1 (diaphanous related formin 1; minus strand). Cytogenetic location: 5q31.3.
Variant type: Inversion.
Coding change: c.2893_2894inv on transcript NM_005219.5 (MANE Select).
Protein change: p.Glu965Ser; replaces glutamic acid 965 with serine.
Molecular consequence: missense variant.
Genome position: GRCh38 VCF-style: chr5-141528826-TC-GA. GRCh37 (hg19) VCF-style: chr5-140908393-TC-GA.
Other names: c.2866_2867inv, p.Glu956Ser (NM_001079812.3); c.2893_2894inv, p.Glu965Ser (NM_001314007.2); short protein forms E965S, E956S.
Identifiers: ClinVar variation 2943421 (VCV002943421.3), ClinGen allele CA2740094107.

ClinVar aggregate classification (germline): Uncertain significance (1 of 4 stars; one submission).

Conditions:
Progressive microcephaly-seizures-cortical blindness-developmental delay syndrome. Also called: Seizures, cortical blindness, and microcephaly syndrome. Identifiers: Orphanet 477814, MedGen C5567650, MONDO:0014714, OMIM 616632.
Autosomal dominant nonsyndromic hearing loss 1. Also called: KONIGSMARK SYNDROME; DEAFNESS, AUTOSOMAL DOMINANT 1, WITH OR WITHOUT THROMBOCYTOPENIA. Identifiers: Orphanet 90635, MedGen C1852282, MONDO:0007424, OMIM 124900.

Submission:

Labcorp Genetics (formerly Invitae), Labcorp
Classification: Uncertain significance for Progressive microcephaly-seizures-cortical blindness-developmental delay syndrome; Autosomal dominant nonsyndromic hearing loss 1. Last evaluated: 2023-01-19. Review status: criteria provided, single submitter. Criteria: Invitae Variant Classification Sherloc (09022015). Collection method: clinical testing. Allele origin: germline.
Comment: In summary, the available evidence is currently insufficient to determine the role of this variant in disease. Therefore, it has been classified as a Variant of Uncertain Significance. An algorithm developed to predict the effect of missense changes on protein structure and function (PolyPhen-2) suggests that this variant is likely to be disruptive. This variant has not been reported in the literature in individuals affected with DIAPH1-related conditions. Information on the frequency of this variant in the gnomAD database is not available, as this variant may be reported differently in the database. This sequence change replaces glutamic acid, which is acidic and polar, with serine, which is neutral and polar, at codon 965 of the DIAPH1 protein (p.Glu965Ser).